The following is an entry in ClinVar:

ClinVar aggregate classification (germline): Benign. Review status: criteria provided, multiple submitters, no conflicts (2 of 4 stars). 4 submissions from 4 submitters: Benign (3). 1 of the submissions does not count toward it. Last evaluated 2026-02-04.

Conditions:
VAV1-related disorder. Also called: VAV1-related condition.

Allele frequency attached by ClinVar (database versions not stated): 1000 Genomes Project 0.01877; TOPMed 0.04216; gnomAD 0.05041 and 0.05202; gnomAD exomes 0.05244; ESP Exome Variant Server 0.04913; 1000 Genomes Project 30x 0.01921; ExAC 0.05142.
gnomAD v4.1: 108,345 of 1,613,662 alleles (6.7%); highest among the groups gnomAD compares: Non-Finnish European, 7.8%; 4,329 homozygotes.

Submissions (4):

Labcorp Genetics (formerly Invitae), Labcorp
Classification: Benign. Last evaluated: 2026-02-04. Review status: criteria provided, single submitter. Criteria: Invitae Variant Classification Sherloc (09022015). Collection method: clinical testing. Allele origin: germline.

ARUP Laboratories, Molecular Genetics and Genomics, ARUP Laboratories
Classification: Benign. Last evaluated: 2023-11-22. Review status: criteria provided, single submitter. Criteria: ARUP Molecular Germline Variant Investigation Process 2024. Collection method: clinical testing. Allele origin: germline.

Breakthrough Genomics
Classification: Benign. Review status: criteria provided, single submitter. Criteria: ACMG Guidelines, 2015. Collection method: not provided. Allele origin: germline. Inheritance: Unknown mechanism. Affected: yes.

PreventionGenetics, part of Exact Sciences
Classification: Benign for VAV1-related condition. Last evaluated: 2019-03-04. Review status: no assertion criteria provided. Collection method: clinical testing. Allele origin: germline. Not counted in ClinVar's aggregate classification.
Comment: This variant is classified as benign based on ACMG/AMP sequence variant interpretation guidelines (Richards et al. 2015 PMID: 25741868, with internal and published modifications).

NM_005428.4(VAV1):c.2216C>T (p.Thr739Met)

Gene: VAV1 (vav guanine nucleotide exchange factor 1; plus strand). Cytogenetic location: 19p13.3.
Variant type: single nucleotide variant.
Coding change: c.2216C>T on transcript NM_005428.4 (MANE Select); coding-DNA position 2216, C replaced by T.
Protein change: p.Thr739Met; replaces threonine 739 with methionine.
Molecular consequence: missense variant.
Genome position (GRCh38, 1-based): chr19:6,850,756, C>T. VCF-style: chr19-6850756-C-T. GRCh37 (hg19) VCF-style: chr19-6850767-C-T.
Other names: c.2150C>T, p.Thr717Met (NM_001258206.2); c.2120C>T, p.Thr707Met (NM_001258207.2); c.2216C>T (NM_005428.3); short protein forms T707M, T717M, T739M.
Identifiers: ClinVar variation 810928 (VCV000810928.24), dbSNP rs36097961, ClinGen allele CA9132891.
Genomic context (GRCh38, chr19:6,850,756, plus strand): 5'-AAATCATGACAGCAGAAGGACTGTACCGGATCACAGAGAAAAAGGCTTTCCGGGGGCTTA[C>T]GGTAAGGGTCAATGTCCGCTCAATCCCAGCTTTCCAGAACCTAGGAGGACCCTCCCTGCA-3'
Protein context (NP_005419.2, residues 729-749): ITEKKAFRGL[Thr739Met]ELVEFYQQNS